The following is an entry in ClinVar:

ClinVar aggregate classification (germline): Likely benign (1 of 4 stars; one submission).

Allele frequency attached by ClinVar (database versions not stated): ExAC 0.00021; ESP Exome Variant Server 0.00047; gnomAD 0.00059; TOPMed 0.00087; 1000 Genomes Project 0.00140; 1000 Genomes Project 30x 0.00172.
gnomAD v4.1: 230 of 1,606,740 alleles (0.014%); highest among the groups gnomAD compares: African/African-American, 0.21%; no homozygotes.

Submission:

CeGaT Center for Human Genetics Tuebingen
Classification: Likely benign. Last evaluated: 2022-12-01. Review status: criteria provided, single submitter. Criteria: CeGaT Center For Human Genetics Tuebingen Variant Classification Criteria Version 2. Collection method: clinical testing. Allele origin: germline. Affected: yes. Observed: 1 variant allele.
Comment: LRTM2: BP4, BP7

NM_001039029.3(LRTM2):c.903G>A (p.Pro301=)

Genes: CACNA2D4 (calcium voltage-gated channel auxiliary subunit alpha2delta 4; minus strand), LRTM2 (leucine rich repeat transmembrane protein 2; plus strand). Cytogenetic location: 12p13.33.
Variant type: single nucleotide variant.
Coding change: c.903G>A on transcript NM_001039029.3 (MANE Select); coding-DNA position 903, G replaced by A.
Protein change: p.Pro301=; no amino-acid change (proline 301 retained).
Molecular consequence: synonymous variant. On other transcripts: intron variant (1).
Genome position (GRCh38, 1-based): chr12:1,834,511, G>A. VCF-style: chr12-1834511-G-A. GRCh37 (hg19) VCF-style: chr12-1943677-G-A.
Other names: c.903G>A, p.Pro301= (NM_001163925.2, NM_001163926.2); c.2551+6228C>T (NM_172364.5).
Identifiers: ClinVar variation 2642571 (VCV002642571.24), dbSNP rs139863701, ClinGen allele CA6386578.